The following is an entry in ClinVar:

ClinVar aggregate classification (germline): Uncertain significance (1 of 4 stars; one submission).

Conditions:
Long QT syndrome (LQTS). Identifiers: MedGen C0023976, MeSH D008133, MONDO:0002442. Disease mechanism: loss of function. Inheritance: Various modes of inheritance.

Submission:

Labcorp Genetics (formerly Invitae), Labcorp
Classification: Uncertain significance for Long QT syndrome. Last evaluated: 2022-02-20. Review status: criteria provided, single submitter. Criteria: Invitae Variant Classification Sherloc (09022015). Collection method: clinical testing. Allele origin: germline.
Comment: This sequence change replaces serine, which is neutral and polar, with cysteine, which is neutral and slightly polar, at codon 66 of the KCNQ1 protein (p.Ser66Cys). This variant is not present in population databases (gnomAD no frequency). This variant has not been reported in the literature in individuals affected with KCNQ1-related conditions. Algorithms developed to predict the effect of missense changes on protein structure and function are either unavailable or do not agree on the potential impact of this missense change (SIFT: "Deleterious"; PolyPhen-2: "Benign"; Align-GVGD: "Class C0"). In summary, the available evidence is currently insufficient to determine the role of this variant in disease. Therefore, it has been classified as a Variant of Uncertain Significance.

NM_000218.3(KCNQ1):c.197C>G (p.Ser66Cys)

Gene: KCNQ1 (potassium voltage-gated channel subfamily Q member 1; plus strand). Cytogenetic location: 11p15.5.
Variant type: single nucleotide variant.
Coding change: c.197C>G on transcript NM_000218.3 (MANE Select); coding-DNA position 197, C replaced by G.
Protein change: p.Ser66Cys; replaces serine 66 with cysteine.
Molecular consequence: missense variant.
Genome position (GRCh38, 1-based): chr11:2,445,295, C>G. VCF-style: chr11-2445295-C-G. GRCh37 (hg19) VCF-style: chr11-2466525-C-G.
Other names: c.197C>G, p.Ser66Cys (NM_001406836.1, NM_001406838.1); c.-166C>G (NM_001406837.1); short protein forms S66C.
Identifiers: ClinVar variation 2080920 (VCV002080920.4), dbSNP rs199473446, ClinGen allele CA379116630.